The following is an entry in ClinVar:

ClinVar aggregate classification (germline): Benign/Likely benign. Review status: criteria provided, multiple submitters, no conflicts (2 of 4 stars). 5 submissions from 4 submitters: Benign (4); Likely benign (1). Last evaluated 2026-01-24.

Conditions:
Autosomal recessive ataxia, Beauce type. Also called: SYNE1 Deficiency; SYNE1-Related Autosomal Recessive Cerebellar Ataxia; Spinocerebellar ataxia, autosomal recessive 8; ATAXIA, RECESSIVE, OF BEAUCE. Identifiers: Orphanet 88644, MedGen C1853116, MONDO:0012549, OMIM 610743.
Arthrogryposis multiplex congenita 3, myogenic type. Also called: ARTHROGRYPOSIS MULTIPLEX CONGENITA, MYOGENIC TYPE. Identifiers: MedGen C5193121, MONDO:0032778, OMIM 618484.
Emery-Dreifuss muscular dystrophy 4, autosomal dominant (EDMD4). Also called: EMERY-DREIFUSS MUSCULAR DYSTROPHY 4 WITH VARIABLE FEATURES. Identifiers: Orphanet 261, MedGen C2751807, MONDO:0013071, OMIM 612998.

Allele frequency attached by ClinVar (database versions not stated): gnomAD exomes 0.00103 and 0.00255; ExAC 0.00305; gnomAD 0.00959 and 0.01033; ESP Exome Variant Server 0.01007; TOPMed 0.01109; 1000 Genomes Project 0.01218; 1000 Genomes Project 30x 0.01249.
gnomAD v4.1: 3,043 of 1,612,194 alleles (0.19%); highest among the groups gnomAD compares: African/African-American, 3.5%; 59 homozygotes.

Submissions (5):

Labcorp Genetics (formerly Invitae), Labcorp
Classification: Benign for Emery-Dreifuss muscular dystrophy 4, autosomal dominant; Autosomal recessive ataxia, Beauce type. Last evaluated: 2026-01-24. Review status: criteria provided, single submitter. Criteria: Invitae Variant Classification Sherloc (09022015). Collection method: clinical testing. Allele origin: germline.

Fulgent Genetics
Classification: Likely benign for Autosomal recessive ataxia, Beauce type; Emery-Dreifuss muscular dystrophy 4, autosomal dominant; Arthrogryposis multiplex congenita 3, myogenic type. Last evaluated: 2022-01-13. Review status: criteria provided, single submitter. Criteria: ACMG Guidelines, 2015. Collection method: clinical testing. Allele origin: unknown.

Illumina Laboratory Services, Illumina
Classification: Benign for Emery-Dreifuss muscular dystrophy 4, autosomal dominant. Last evaluated: 2018-01-13. Review status: criteria provided, single submitter. Criteria: ICSL Variant Classification Criteria 13 December 2019. Collection method: clinical testing. Allele origin: germline.
Comment: This variant was observed in the ICSL laboratory as part of a predisposition screen in an ostensibly healthy population. It had not been previously curated by ICSL or reported in the Human Gene Mutation Database (HGMD: prior to June 1st, 2018), and was therefore a candidate for classification through an automated scoring system. Utilizing variant allele frequency, disease prevalence and penetrance estimates, and inheritance mode, an automated score was calculated to assess if this variant is too frequent to cause the disease. Based on the score and internal cut-off values, a variant classified as benign is not then subjected to further curation. The score for this variant resulted in a classification of benign for this disease.

Illumina Laboratory Services, Illumina
Classification: Benign for Autosomal recessive ataxia, Beauce type. Last evaluated: 2018-01-13. Review status: criteria provided, single submitter. Criteria: ICSL Variant Classification Criteria 13 December 2019. Collection method: clinical testing. Allele origin: germline.
Comment: the same text as in the submission from Illumina Laboratory Services, Illumina above.

GeneDx
Classification: Benign. Last evaluated: 2016-07-20. Review status: criteria provided, single submitter. Criteria: GeneDx Variant Classification (06012015). Collection method: clinical testing. Allele origin: germline. Affected: yes.
Comment: This variant is considered likely benign or benign based on one or more of the following criteria: it is a conservative change, it occurs at a poorly conserved position in the protein, it is predicted to be benign by multiple in silico algorithms, and/or has population frequency not consistent with disease.

NM_182961.4(SYNE1):c.402+11A>G

Gene: SYNE1 (spectrin repeat containing nuclear envelope protein 1; minus strand). Cytogenetic location: 6q25.2.
Variant type: single nucleotide variant.
Coding change: c.402+11A>G on transcript NM_182961.4 (MANE Select); 11 bases into the intron after coding-DNA position 402, A replaced by G.
Molecular consequence: intron variant.
Genome position (GRCh38, 1-based): chr6:152,511,000, T>C on the plus strand (A>G on the coding strand, the complement: SYNE1 is on the minus strand). VCF-style: chr6-152511000-T-C. GRCh37 (hg19) VCF-style: chr6-152832135-T-C.
Other names: c.423+11A>G (NM_033071.5).
Identifiers: ClinVar variation 355948 (VCV000355948.13), dbSNP rs80276170, ClinGen allele CA4059750.